The following continues an entry in ClinVar:

NM_000051.4(ATM):c.7271T>G (p.Val2424Gly)

ClinVar aggregate classification (germline): Pathogenic. Pathogenic (1).

Submissions 29 to 40 of 40:

Human Genome Sequencing Center Clinical Lab, Baylor College of Medicine
Classification: Pathogenic for Familial cancer of breast. Last evaluated: 2017-04-03. Review status: criteria provided, single submitter. Criteria: ACMG Guidelines, 2015. Collection method: clinical testing. Allele origin: germline. Not counted in ClinVar's aggregate classification.
Comment: This c.7271T>G (p.Val2424Gly) has previously been reported in compound heterozygous and homozygous patients with ataxia telangiectasia [PMID 8755918, 9463314, 18575927]. Functional assays showed that the variant does not affect the level of ATM protein but does reduce the level of kinase activity [PMID 18634022]. This variant has seen observed at the heterozygous state in at least 24 patients from two cohorts of breast cancer patients [PMID 19781682, 21787400]. Statistical analysis in one cohort estimated the risk factor for breast cancer to be 8.0 for carriers of this variant compared to 4.4 for families carriers of other pathogenic variants. This variant was observed in 3 Europeans (Non Finnish) at the heterozygous state in the ExAC population database. This variant is highly conserved in mammals. While not validated for clinical use, computer-based algorithms (SIFT and Polyphen-2) predict this p.Val2424Gly change to be deleterious. It is thus interpreted as a pathogenic variant.

Baylor Genetics
Classification: Pathogenic for Ataxia-telangiectasia syndrome. Last evaluated: 2014-09-22. Review status: criteria provided, single submitter. Criteria: Yang et al. 2013. Collection method: clinical testing. Allele origin: paternal. Inheritance: Autosomal recessive inheritance. Affected: yes. Observed: 2 variant alleles, 2 compound heterozygotes. Study: Adult_WES. Not counted in ClinVar's aggregate classification.
Comment: This variant has been previously reported as disease-causing and was found twice in our laboratory in affected individuals who carried second pathogenic variants in the gene.

Genetic Services Laboratory, University of Chicago
Classification: Pathogenic for Ataxia-telangiectasia. Last evaluated: 2014-06-27. Review status: criteria provided, single submitter. Criteria: ACMG Guidelines, 2015. Collection method: clinical testing. Allele origin: germline. Affected: yes. Not counted in ClinVar's aggregate classification.

CSER _CC_NCGL, University of Washington
Classification: Pathogenic for Breast cancer. Last evaluated: 2016-08-01. Review status: no assertion criteria provided. Collection method: research. Allele origin: germline. Inheritance: Autosomal dominant inheritance. Study: CSER - NEXT Medicine variant annotation. Not counted in ClinVar's aggregate classification.

Counsyl
Classification: Likely pathogenic for Ataxia-telangiectasia syndrome. Last evaluated: 2016-05-16. Review status: no assertion criteria provided. Collection method: clinical testing. Allele origin: unknown. Not counted in ClinVar's aggregate classification.

OMIM
Classification: Pathogenic for ATAXIA-TELANGIECTASIA VARIANT. Last evaluated: 2006-11-01. Review status: no assertion criteria provided. Collection method: literature only. Allele origin: germline. Not counted in ClinVar's aggregate classification.

OMIM
Classification: Pathogenic for T-CELL PROLYMPHOCYTIC LEUKEMIA, SOMATIC. Last evaluated: 2006-11-01. Review status: no assertion criteria provided. Collection method: literature only. Allele origin: somatic. Not counted in ClinVar's aggregate classification.

OMIM
Classification: risk factor for BREAST CANCER, SUSCEPTIBILITY TO. Last evaluated: 2006-11-01. Review status: no assertion criteria provided. Collection method: literature only. Allele origin: germline. Not counted in ClinVar's aggregate classification.

Clinical Genetics DNA and cytogenetics Diagnostics Lab, Erasmus MC, Erasmus Medical Center
Classification: Pathogenic. Review status: no assertion criteria provided. Collection method: clinical testing. Allele origin: germline. Affected: yes. Study: VKGL Data-share Consensus. Not counted in ClinVar's aggregate classification.

Department of Pathology and Laboratory Medicine, Sinai Health System
Classification: Pathogenic. Review status: no assertion criteria provided. Collection method: clinical testing. Allele origin: unknown. Affected: yes. Observed: 1 variant allele. Study: The Canadian Open Genetics Repository (COGR). Not counted in ClinVar's aggregate classification.
Comment: The ATM p.Val2424Gly variant was identified in 20 of 14588 proband chromosomes (frequency: 0.0013) from individuals or families with contralateral and bilateral breast cancers (Bernstein 2003, Bernstein 2010, Chenevix-Trench 2002, Goldgar 2011, Waddell 2006). The variant was also identified in dbSNP (ID: rs28904921) as â€šÃ„Ãºwith pathogenic alleleâ€šÃ„Ã¹, in the ClinVar database (as pathogenic by GeneDx, Ambry Genetics, Invitae, and 8 additional clinical laboratories, and as likely pathogenic by Counsyl), in the Cosmic database (2x as pathogenic), and in the LOVD 3.0 database (6x as pathogenic). The variant was not identified in the COGR or in the MutDB databases. The variant was also identified in control databases including the NHLBI GO Exome Sequencing Project in 1 of 8596 European American alleles and in 14 of 276788 chromosomes at a frequency of 0.00005 in the Genome Aggregation Database (Feb 27, 2017). It was observed in the following populations: Latino in 1 of 34412 chromosomes (freq: 0.00003), and European Non-Finnish in 13 of 126414 chromosomes (freq: 0.0001); it was not observed in the African, Other, Ashkenazi Jewish, East Asian, Finnish, or South Asian populations. In vivo analyses of cell lines established from individuals heterozygous for the c.7271T>G variant suggest that this ATM variant acts in a dominant negative manner so that the wild-type enzyme is unable to function normally in the presence of the mutant protein. Results reveal that the mutant ATM protein from the c.7271T>G heterozygotes is stable but intrinsically defective as a kinase. It appears that, in cells with these mutant ATM alleles, p53 phosphorylation and stabilization are reduced, which presumably decreases the effectiveness of the cell cycle checkpoint (Chenevix-Trench 2002). In another study, the c.7271T>G variant was genotyped and modified segregation analysis was used to estimate the breast cancer penetrance. Women carrying the variant, ATM c.7271T>G demonstrate a significantly increased risk of breast cancer with a penetrance that appears similar to that conferred by germline mutations in BRCA2. Separate analyses of the 15 families carrying the ATM c.7271T>G variant found that this variant increased breast cancer risk by a factor of 8.0 compared with 4.4 for families with other ATM variants (Goldgar 2011). Another study confirmed that the p.Val2424Gly variant confers a moderate risk of breast cancer, with an estimated hazard ratio of 6.1. Furthermore, the study revealed that the V2424 allele was found across seven vertebrate sequences. To elucidate the molecular effects of the ATM 7271T>G variant, a study carried out expression profiling and demonstrated that the ATM 7271T>G variant acts largely as a dominant negative causing differences in expression profiles of many genes (Waddell 2006). The p.Val2424 residue is conserved across mammals and other organisms, and computational analyses (PolyPhen-2, SIFT, AlignGVGD, BLOSUM, MutationTaster) suggest that the variant may impact the protein; however, this information is not predictive enough to assume pathogenicity. The variant occurs outside of the splicing consensus sequence and 4 of 5 in silico or computational prediction software programs (SpliceSiteFinder, MaxEntScan, NNSPLICE, GeneSplicer, HumanSpliceFinder) predict a greater than 10% difference in splicing. However, this information is not predictive enough to assume pathogenicity. In summary, based on the above information this variant meets our laboratoryâ€šÃ„Ã´s criteria to be classified as pathogenic.

Diagnostic Laboratory, Department of Genetics, University Medical Center Groningen
Classification: Pathogenic. Review status: no assertion criteria provided. Collection method: clinical testing. Allele origin: germline. Affected: yes. Study: VKGL Data-share Consensus. Not counted in ClinVar's aggregate classification.

Joint Genome Diagnostic Labs from Nijmegen and Maastricht, Radboudumc and MUMC+
Classification: Pathogenic. Review status: no assertion criteria provided. Collection method: clinical testing. Allele origin: germline. Affected: yes. Study: VKGL Data-share Consensus. Not counted in ClinVar's aggregate classification.

Literature cited by the submitters: PubMed 25980754 (cited by 3 submitters); PubMed 19431188 (cited by 7 submitters); PubMed 18634022 (cited by 10 submitters); PubMed 21787400 (cited by 8 submitters); PubMed 16958054 (cited by 8 submitters); PubMed 9463314 (cited by 12 submitters); PubMed 24733792 (cited by 8 submitters); PubMed 26506520 (cited by 6 submitters); PubMed 18575927 (cited by 9 submitters); PubMed 8755918 (cited by 10 submitters); PubMed 11382771 (cited by 7 submitters); PubMed 11830610 (cited by 5 submitters); PubMed 19781682 (cited by 4 submitters); PubMed 30549301 (cited by 6 submitters); PubMed 27884168 (cited by Victorian Clinical Genetics Services, Murdoch Childrens Research Institute); PubMed 27978560 (cited by 4 submitters); PubMed 22585167 (cited by Victorian Clinical Genetics Services, Murdoch Childrens Research Institute); PubMed 27595995 (cited by 6 submitters); PubMed 17001622 (cited by 4 submitters); PubMed 20301790 (cited by Victorian Clinical Genetics Services, Murdoch Childrens Research Institute); PubMed 26662178 (cited by Victorian Clinical Genetics Services, Murdoch Childrens Research Institute and Color Diagnostics, LLC DBA Color Health); PubMed 18634020 (cited by Institute for Genomic Medicine (IGM) Clinical Laboratory, Nationwide Children's Hospital); PubMed 27528516 (cited by 5 submitters); PubMed 33509806 (cited by 4 submitters); PubMed 32338768 (cited by Athena Diagnostics and Quest Diagnostics Nichols Institute San Juan Capistrano); PubMed 32427313 (cited by Athena Diagnostics and Quest Diagnostics Nichols Institute San Juan Capistrano); PubMed 26681312 (cited by 4 submitters); PubMed 27988859 (cited by 3 submitters); PubMed 29915382 (cited by 3 submitters); PubMed 31447099 (cited by Athena Diagnostics and Quest Diagnostics Nichols Institute San Juan Capistrano); PubMed 32853339 (cited by Athena Diagnostics and Quest Diagnostics Nichols Institute San Juan Capistrano); PubMed 33436325 (cited by Athena Diagnostics and Quest Diagnostics Nichols Institute San Juan Capistrano); PubMed 34117267 (cited by Athena Diagnostics and Quest Diagnostics Nichols Institute San Juan Capistrano); PubMed 9288106 (cited by 3 submitters); PubMed 9892178 (cited by Athena Diagnostics and Quest Diagnostics Nichols Institute San Juan Capistrano); PubMed 25186627 (cited by 4 submitters); PubMed 27798748 (cited by 4 submitters); PubMed 28779002 (cited by 4 submitters); PubMed 22146522 (cited by Athena Diagnostics and Quest Diagnostics Nichols Institute San Juan Capistrano); PubMed 21459046 (cited by Athena Diagnostics and Quest Diagnostics Nichols Institute San Juan Capistrano); PubMed 12072552 (cited by Athena Diagnostics and Quest Diagnostics Nichols Institute San Juan Capistrano); PubMed 22529920 (cited by 3 submitters); PubMed 16832357 (cited by Athena Diagnostics and Quest Diagnostics Nichols Institute San Juan Capistrano); PubMed 14562025 (cited by Athena Diagnostics and Quest Diagnostics Nichols Institute San Juan Capistrano); PubMed 11805335 (cited by Athena Diagnostics and Quest Diagnostics Nichols Institute San Juan Capistrano); PubMed 29719442 (cited by Ambry Genetics); PubMed 32748564 (cited by Color Diagnostics, LLC DBA Color Health); PubMed 33471991 (cited by Color Diagnostics, LLC DBA Color Health); PubMed 26633545 (cited by Baylor Genetics).